The following is an entry in ClinVar:

NM_004304.5(ALK):c.1155-1G>A

Gene: ALK (ALK receptor tyrosine kinase; minus strand). Cytogenetic location: 2p23.2.
Variant type: single nucleotide variant.
Coding change: c.1155-1G>A on transcript NM_004304.5 (MANE Select); the canonical splice acceptor site of the intron before coding-DNA position 1155, G replaced by A.
Molecular consequence: splice acceptor variant.
Genome position (GRCh38, 1-based): chr2:29,383,860, C>T on the plus strand (G>A on the coding strand, the complement: ALK is on the minus strand). VCF-style: chr2-29383860-C-T. GRCh37 (hg19) VCF-style: chr2-29606726-C-T.
Identifiers: ClinVar variation 661104 (VCV000661104.7), dbSNP rs1573303570, ClinGen allele CA346585557.
Genomic context (GRCh38, chr2:29,383,860, plus strand): 5'-TCCAGGGCCACTCGAAATGGGTTGTCTGGACGCCCGATTCTTCCCTGGAGCACTGTCCAA[C>T]TGGTTGCATTGGAAAACAGAGGAGAAAAGCATAGAGAAACAGATATGAGAATTAGGCCTA-3'

ClinVar aggregate classification (germline): Uncertain significance (1 of 4 stars; one submission).

Conditions:
Neuroblastoma, susceptibility to, 3. Also called: ALK-Related Neuroblastic Tumor Susceptibility. Identifiers: Orphanet 635, MedGen C2751681, MONDO:0013083, OMIM 613014.

Submission:

Labcorp Genetics (formerly Invitae), Labcorp
Classification: Uncertain significance for Neuroblastoma, susceptibility to, 3. Last evaluated: 2023-01-11. Review status: criteria provided, single submitter. Criteria: Invitae Variant Classification Sherloc (09022015). Collection method: clinical testing. Allele origin: germline.
Comment: In summary, the available evidence is currently insufficient to determine the role of this variant in disease. Therefore, it has been classified as a Variant of Uncertain Significance. Algorithms developed to predict the effect of sequence changes on RNA splicing suggest that this variant may disrupt the consensus splice site. ClinVar contains an entry for this variant (Variation ID: 661104). This variant has not been reported in the literature in individuals affected with ALK-related conditions. This variant is not present in population databases (gnomAD no frequency). This sequence change affects an acceptor splice site in intron 4 of the ALK gene. It is expected to disrupt RNA splicing. Variants that disrupt the donor or acceptor splice site typically lead to a loss of protein function (PMID: 16199547), however the current clinical and genetic evidence is not sufficient to establish whether loss-of-function variants in ALK cause disease.

Literature cited by the submitters: PubMed 16199547.